The following is an entry in ClinVar:

NM_000059.4(BRCA2):c.6170G>A (p.Gly2057Glu)

Gene: BRCA2 (BRCA2 DNA repair associated; plus strand). Cytogenetic location: 13q13.1.
Variant type: single nucleotide variant.
Coding change: c.6170G>A on transcript NM_000059.4 (MANE Select); coding-DNA position 6170, G replaced by A.
Protein change: p.Gly2057Glu; replaces glycine 2057 with glutamic acid.
Molecular consequence: missense variant.
Genome position (GRCh38, 1-based): chr13:32,340,525, G>A. VCF-style: chr13-32340525-G-A. GRCh37 (hg19) VCF-style: chr13-32914662-G-A.
Other names: short protein forms G2057E.
Identifiers: ClinVar variation 483138 (VCV000483138.12), dbSNP rs876660308, ClinGen allele CA387788356.
Genomic context (GRCh38, chr13:32,340,525, plus strand): 5'-AACATTTAATATCCCAAAAAGGCTTTTCATATAATGTGGTAAATTCATCTGCTTTCTCTG[G>A]ATTTAGTACAGCAAGTGGAAAGCAAGTTTCCATTTTAGAAAGTTCCTTACACAAAGTTAA-3'
Protein context (NP_000050.3, residues 2047-2067): YNVVNSSAFS[Gly2057Glu]FSTASGKQVS

ClinVar aggregate classification (germline): Conflicting classifications of pathogenicity. Review status: criteria provided, conflicting classifications (1 of 4 stars). 5 submissions from 5 submitters: Uncertain significance (3); Likely benign (2). Last evaluated 2025-11-04.

Conditions:
Hereditary breast ovarian cancer syndrome. Also called: Hereditary breast and ovarian cancer syndrome (HBOC); Breast and ovarian cancer; Hereditary breast and ovarian cancer syndrome; Hereditary breast and ovarian cancer; Hereditary breast and/or ovarian cancer syndrome; BRCA1- and BRCA2-Associated Hereditary Breast and Ovarian Cancer. Identifiers: Orphanet 145, MedGen C0677776, MeSH D061325, MONDO:0003582. Disease mechanism: loss of function.
Hereditary cancer-predisposing syndrome. Also called: Hereditary neoplastic syndrome; Neoplastic Syndromes, Hereditary; Tumor predisposition; Hereditary Cancer Syndrome. Identifiers: Orphanet 140162, MedGen C0027672, MeSH D009386, MONDO:0015356.
Breast-ovarian cancer, familial, susceptibility to, 2 (BROVCA2). Also called: BRCA2 Hereditary Breast and Ovarian Cancer. Identifiers: Orphanet 145, MedGen C2675520, MONDO:0012933, OMIM 612555. Disease mechanism: loss of function.

gnomAD v4.1: 1 of 1,613,390 alleles (0.000062%); highest among the groups gnomAD compares: Non-Finnish European, 0.000085%; no homozygotes.

Submissions (5):

Color Diagnostics, LLC DBA Color Health
Classification: Likely benign for Hereditary cancer-predisposing syndrome. Last evaluated: 2025-11-04. Review status: criteria provided, single submitter. Criteria: ACMG Guidelines, 2015. Collection method: clinical testing. Allele origin: germline.

All of Us Research Program, National Institutes of Health
Classification: Uncertain significance for Breast-ovarian cancer, familial, susceptibility to, 2. Last evaluated: 2023-11-30. Review status: criteria provided, single submitter. Criteria: ACMG Guidelines, 2015. Collection method: clinical testing. Allele origin: germline. Inheritance: Autosomal dominant inheritance. Observed: 1 variant allele, 1 heterozygote.
Comment: This study involves interpretation of variants in research participants for the purpose of population health screening. Participant phenotype was not available at the time of variant classification. Additional details can be found in publication PMID: 35346344, PMCID: PMC8962531

Ambry Genetics
Classification: Uncertain significance for Hereditary cancer-predisposing syndrome. Last evaluated: 2023-04-22. Review status: criteria provided, single submitter. Criteria: Ambry Variant Classification Scheme 2023. Collection method: clinical testing. Allele origin: germline.
Comment: The p.G2057E variant (also known as c.6170G>A), located in coding exon 10 of the BRCA2 gene, results from a G to A substitution at nucleotide position 6170. The glycine at codon 2057 is replaced by glutamic acid, an amino acid with similar properties. This amino acid position is highly conserved in available vertebrate species. In addition, this alteration is predicted to be deleterious by in silico analysis. Since supporting evidence is limited at this time, the clinical significance of this alteration remains unclear.

University of Washington Department of Laboratory Medicine, University of Washington
Classification: Likely benign for Hereditary cancer-predisposing syndrome. Last evaluated: 2023-03-23. Review status: criteria provided, single submitter. Criteria: Dines et al. (Genet Med. 2020). Collection method: curation. Allele origin: germline.
Comment: Missense variant in a coldspot region where missense variants are very unlikely to be pathogenic (PMID:31911673).

BRCA2 exon 11 coldspot. Reclassification based on statistical prior probability.

Labcorp Genetics (formerly Invitae), Labcorp
Classification: Uncertain significance for Hereditary breast ovarian cancer syndrome. Last evaluated: 2021-12-19. Review status: criteria provided, single submitter. Criteria: Invitae Variant Classification Sherloc (09022015). Collection method: clinical testing. Allele origin: germline.
Comment: This sequence change replaces glycine, which is neutral and non-polar, with glutamic acid, which is acidic and polar, at codon 2057 of the BRCA2 protein (p.Gly2057Glu). This variant is not present in population databases (gnomAD no frequency). In summary, the available evidence is currently insufficient to determine the role of this variant in disease. Therefore, it has been classified as a Variant of Uncertain Significance. Advanced modeling of protein sequence and biophysical properties (such as structural, functional, and spatial information, amino acid conservation, physicochemical variation, residue mobility, and thermodynamic stability) performed at Invitae indicates that this missense variant is not expected to disrupt BRCA2 protein function. ClinVar contains an entry for this variant (Variation ID: 483138). This variant has not been reported in the literature in individuals affected with BRCA2-related conditions.